The following is an entry in ClinVar:

ClinVar aggregate classification (germline): Uncertain significance (1 of 4 stars; one submission).

Conditions:
Inborn genetic diseases. Identifiers: MedGen C0950123, MeSH D030342.

gnomAD v4.1: 6 of 1,613,874 alleles (0.00037%); highest among the groups gnomAD compares: South Asian, 0.0022%; no homozygotes.

Submission:

Ambry Genetics
Classification: Uncertain significance for Inborn genetic diseases. Last evaluated: 2024-08-24. Review status: criteria provided, single submitter. Criteria: Ambry Variant Classification Scheme 2023. Collection method: clinical testing. Allele origin: germline.
Comment: The p.V105A variant (also known as c.314T>C), located in coding exon 3 of the LRRK2 gene, results from a T to C substitution at nucleotide position 314. The valine at codon 105 is replaced by alanine, an amino acid with similar properties. This amino acid position is conserved. In addition, this alteration is predicted to be tolerated by in silico analysis. Based on the available evidence, the clinical significance of this variant remains unclear.

NM_198578.4(LRRK2):c.314T>C (p.Val105Ala)

Gene: LRRK2 (leucine rich repeat kinase 2; plus strand). Cytogenetic location: 12q12.
Variant type: single nucleotide variant.
Coding change: c.314T>C on transcript NM_198578.4 (MANE Select); coding-DNA position 314, T replaced by C.
Protein change: p.Val105Ala; replaces valine 105 with alanine.
Molecular consequence: missense variant.
Genome position (GRCh38, 1-based): chr12:40,232,350, T>C. VCF-style: chr12-40232350-T-C. GRCh37 (hg19) VCF-style: chr12-40626152-T-C.
Other names: short protein forms V105A.
Identifiers: ClinVar variation 3540637 (VCV003540637.1).